The following is an entry in ClinVar:

ClinVar aggregate classification (germline): Uncertain significance. Review status: criteria provided, multiple submitters, no conflicts (2 of 4 stars). 7 submissions from 7 submitters: Uncertain significance (7). Last evaluated 2026-02-08.

Conditions:
COL4A1-related disorder. Also called: COL4A1-related disorders; COL4A1-related condition. Identifiers: MedGen CN376119, MONDO:0800461.
Autosomal dominant familial hematuria-retinal arteriolar tortuosity-contractures syndrome. Also called: Hereditary Angiopathy with Nephropathy, Aneurysms, and Muscle Cramps (HANAC) Syndrome; Angiopathy, hereditary, with nephropathy, aneurysms, and muscle cramps. Identifiers: Orphanet 73229, MedGen C2673195, MONDO:0012726, OMIM 611773.
Hemorrhage, intracerebral, susceptibility to (ICH). Also called: Stroke, hemorrhagic, susceptibility to. Identifiers: MedGen C3281105, MONDO:0100533, OMIM 614519.
Retinal arterial tortuosity. Also called: RETINAL HEMORRHAGE WITH VASCULAR TORTUOSITY; Retinal arteries, tortuosity of. Identifiers: Orphanet 75326, MedGen C0423401, MONDO:0008373, OMIM 180000, HP:0000631.
Brain small vessel disease 1 with or without ocular anomalies (BSVD1). Also called: Brain small vessel disease with or without ocular anomalies; PORENCEPHALY, TYPE 1, AUTOSOMAL DOMINANT; BRAIN SMALL VESSEL DISEASE WITH HEMORRHAGE; GOULD SYNDROME 1. Identifiers: Orphanet 2940, Orphanet 36383, Orphanet 99810, MedGen C4755307, MONDO:0008289, OMIM 175780.
Microangiopathy and leukoencephalopathy, pontine, autosomal dominant. Also called: DEMENTIA, HEREDITARY MULTI-INFARCT, SWEDISH TYPE; Pontine autosomal dominant microangiopathy with leukoencephalopathy. Identifiers: Orphanet 477749, MedGen C5231411, MONDO:0032814, OMIM 618564.
Inborn genetic diseases. Identifiers: MedGen C0950123, MeSH D030342.

Allele frequency attached by ClinVar (database versions not stated): ExAC 0.00002; gnomAD exomes 0.00002 and 0.00006; gnomAD 0.00003; TOPMed 0.00003; ESP Exome Variant Server 0.00008.
gnomAD v4.1: 88 of 1,614,106 alleles (0.0055%); highest among the groups gnomAD compares: Non-Finnish European, 0.0072%; no homozygotes.

Submissions (7):

GeneDx
Classification: Uncertain significance. Last evaluated: 2026-02-08. Review status: criteria provided, single submitter. Criteria: GeneDx Variant Classification Process June 2021. Collection method: clinical testing. Allele origin: germline. Affected: yes.
Comment: In silico analysis suggests that this missense variant does not alter protein structure/function; Has not been previously published as pathogenic or benign to our knowledge

Women's Health and Genetics/Laboratory Corporation of America, LabCorp
Classification: Uncertain significance. Last evaluated: 2026-01-06. Review status: criteria provided, single submitter. Criteria: LabCorp Variant Classification Summary - May 2015. Collection method: clinical testing. Allele origin: germline.
Comment: Variant summary: COL4A1 c.3144G>T (p.Glu1048Asp) results in a conservative amino acid change in the encoded protein sequence. Algorithms developed to predict the effect of missense changes on protein structure and function are either unavailable or do not agree on the potential impact of this missense change. The variant allele was found at a frequency of 2.4e-05 in 251486 control chromosomes. The available data on variant occurrences in the general population are insufficient to allow any conclusion about variant significance. To our knowledge, no occurrence of c.3144G>T in individuals affected with COL4A1-related conditions and no experimental evidence demonstrating its impact on protein function have been reported. ClinVar contains an entry for this variant (Variation ID: 1409089). Based on the evidence outlined above, the variant was classified as uncertain significance.

Labcorp Genetics (formerly Invitae), Labcorp
Classification: Uncertain significance. Last evaluated: 2025-12-15. Review status: criteria provided, single submitter. Criteria: Invitae Variant Classification Sherloc (09022015). Collection method: clinical testing. Allele origin: germline.
Comment: This sequence change replaces glutamic acid, which is acidic and polar, with aspartic acid, which is acidic and polar, at codon 1048 of the COL4A1 protein (p.Glu1048Asp). This variant is present in population databases (rs368949397, gnomAD 0.005%). This variant has not been reported in the literature in individuals affected with COL4A1-related conditions. ClinVar contains an entry for this variant (Variation ID: 1409089). Invitae Evidence Modeling of protein sequence and biophysical properties (such as structural, functional, and spatial information, amino acid conservation, physicochemical variation, residue mobility, and thermodynamic stability) indicates that this missense variant is not expected to disrupt COL4A1 protein function with a negative predictive value of 95%. In summary, the available evidence is currently insufficient to determine the role of this variant in disease. Therefore, it has been classified as a Variant of Uncertain Significance.

PreventionGenetics, part of Exact Sciences
Classification: Uncertain significance for COL4A1-related condition. Last evaluated: 2025-11-06. Review status: criteria provided, single submitter. Criteria: ACMG Guidelines, 2015. Collection method: clinical testing. Allele origin: germline.
Comment: The COL4A1 c.3144G>T variant is predicted to result in the amino acid substitution p.Glu1048Asp. To our knowledge, this variant has not been reported in the literature. This variant is reported in 0.0053% of alleles in individuals of European (Non-Finnish) descent in gnomAD. At this time, the clinical significance of this variant is uncertain due to the absence of conclusive functional and genetic evidence.

Ambry Genetics
Classification: Uncertain significance for Inborn genetic diseases. Last evaluated: 2024-11-12. Review status: criteria provided, single submitter. Criteria: Ambry Variant Classification Scheme 2023. Collection method: clinical testing. Allele origin: germline.

Fulgent Genetics
Classification: Uncertain significance for Brain small vessel disease 1 with or without ocular anomalies; Retinal arterial tortuosity; Autosomal dominant familial hematuria-retinal arteriolar tortuosity-contractures syndrome; Hemorrhage, intracerebral, susceptibility to; Microangiopathy and leukoencephalopathy, pontine, autosomal dominant. Last evaluated: 2024-02-12. Review status: criteria provided, single submitter. Criteria: ACMG Guidelines, 2015. Collection method: clinical testing. Allele origin: germline.

CeGaT Center for Human Genetics Tuebingen
Classification: Uncertain significance. Last evaluated: 2023-05-01. Review status: criteria provided, single submitter. Criteria: CeGaT Center For Human Genetics Tuebingen Variant Classification Criteria Version 2. Collection method: clinical testing. Allele origin: germline. Affected: yes. Observed: 1 variant allele.

NM_001845.6(COL4A1):c.3144G>T (p.Glu1048Asp)

Gene: COL4A1 (collagen type IV alpha 1 chain; minus strand). Cytogenetic location: 13q34.
Variant type: single nucleotide variant.
Coding change: c.3144G>T on transcript NM_001845.6 (MANE Select); coding-DNA position 3144, G replaced by T.
Protein change: p.Glu1048Asp; replaces glutamic acid 1048 with aspartic acid.
Molecular consequence: missense variant.
Genome position (GRCh38, 1-based): chr13:110,175,272, C>A on the plus strand (G>T on the coding strand, the complement: COL4A1 is on the minus strand). VCF-style: chr13-110175272-C-A. GRCh37 (hg19) VCF-style: chr13-110827619-C-A.
Other names: c.3144G>T (NM_001845.5); short protein forms E1048D.
Identifiers: ClinVar variation 1409089 (VCV001409089.42), dbSNP rs368949397, ClinGen allele CA7047377.